The following is an entry in ClinVar:

ClinVar aggregate classification (germline): Likely benign. Review status: criteria provided, multiple submitters, no conflicts (2 of 4 stars). 2 submissions from 2 submitters: Likely benign (2). Last evaluated 2022-03-01.

Allele frequency attached by ClinVar (database versions not stated): gnomAD exomes 0.00009; ExAC 0.00044; TOPMed 0.00132; gnomAD 0.00137; ESP Exome Variant Server 0.00138; 1000 Genomes Project 0.00220; 1000 Genomes Project 30x 0.00250.
gnomAD v4.1: 351 of 1,613,882 alleles (0.022%); highest among the groups gnomAD compares: African/African-American, 0.41%; 1 homozygote.

Submissions (2):

CeGaT Center for Human Genetics Tuebingen
Classification: Likely benign. Last evaluated: 2022-03-01. Review status: criteria provided, single submitter. Criteria: CeGaT Center For Human Genetics Tuebingen Variant Classification Criteria Version 2. Collection method: clinical testing. Allele origin: germline. Affected: yes. Observed: 1 variant allele.
Comment: SNCAIP: BP4, BP7

Blueprint Genetics
Classification: Likely benign. Last evaluated: 2021-09-24. Review status: criteria provided, single submitter. Criteria: ACMG Guidelines, 2015. Collection method: clinical testing. Allele origin: germline.

NM_005460.4(SNCAIP):c.1170C>A (p.Gly390=)

Gene: SNCAIP (synuclein alpha interacting protein; plus strand). Cytogenetic location: 5q23.2.
Variant type: single nucleotide variant.
Coding change: c.1170C>A on transcript NM_005460.4 (MANE Select); coding-DNA position 1170, C replaced by A.
Protein change: p.Gly390=; no amino-acid change (glycine 390 retained).
Molecular consequence: synonymous variant. On other transcripts: non-coding transcript variant (1), intron variant (5).
Genome position (GRCh38, 1-based): chr5:122,425,519, C>A. VCF-style: chr5-122425519-C-A. GRCh37 (hg19) VCF-style: chr5-121761214-C-A.
Other names: c.1311C>A, p.Gly437= (NM_001308100.2); c.252C>A, p.Gly84= (NM_001308108.1); c.85-6450C>A (NM_001242935.3, NM_001308107.2); c.85-15110C>A (NM_001308109.2); c.79-6450C>A (NM_001308106.1); c.1002+1780C>A (NM_001308105.1).
Identifiers: ClinVar variation 2655657 (VCV002655657.25), dbSNP rs147419360, ClinGen allele CA3384786.